The following is an entry in ClinVar:

ClinVar aggregate classification (germline): Benign. Review status: criteria provided, multiple submitters, no conflicts (2 of 4 stars). 2 submissions from 2 submitters: Benign (2). Last evaluated 2018-06-18.

Allele frequency attached by ClinVar (database versions not stated): gnomAD exomes 0.39119 and 0.40755; ExAC 0.40228; gnomAD 0.42837 and 0.42860; ESP Exome Variant Server 0.43926; 1000 Genomes Project 0.44449; 1000 Genomes Project 30x 0.45175; TOPMed 0.45764.
gnomAD v4.1: 636,758 of 1,610,822 alleles (40%); highest among the groups gnomAD compares: African/African-American, 52%; 128,689 homozygotes.

Submissions (2):

GeneDx
Classification: Benign. Last evaluated: 2018-06-18. Review status: criteria provided, single submitter. Criteria: GeneDx Variant Classification (06012015). Collection method: clinical testing. Allele origin: germline. Affected: yes.
Comment: This variant is considered likely benign or benign based on one or more of the following criteria: it is a conservative change, it occurs at a poorly conserved position in the protein, it is predicted to be benign by multiple in silico algorithms, and/or has population frequency not consistent with disease.

PreventionGenetics, part of Exact Sciences
Classification: Benign. Review status: criteria provided, single submitter. Criteria: ACMG Guidelines, 2015. Collection method: clinical testing. Allele origin: germline.

NM_182961.4(SYNE1):c.25458+24C>T

Gene: SYNE1 (spectrin repeat containing nuclear envelope protein 1; minus strand). Cytogenetic location: 6q25.2.
Variant type: single nucleotide variant.
Coding change: c.25458+24C>T on transcript NM_182961.4 (MANE Select); 24 bases into the intron after coding-DNA position 25458, C replaced by T.
Molecular consequence: intron variant.
Genome position (GRCh38, 1-based): chr6:152,139,926, G>A on the plus strand (C>T on the coding strand, the complement: SYNE1 is on the minus strand). VCF-style: chr6-152139926-G-A. GRCh37 (hg19) VCF-style: chr6-152461061-G-A.
Other names: c.25314+24C>T (NM_033071.5); c.2064+24C>T (NM_001347701.2); c.1992+24C>T (NM_001347702.2).
Identifiers: ClinVar variation 262193 (VCV000262193.2), dbSNP rs3818110, ClinGen allele CA4052841.